The following is an entry in ClinVar:

ClinVar aggregate classification (germline): Uncertain significance (1 of 4 stars; one submission).

gnomAD v4.1: 2 of 1,614,050 alleles (0.00012%); highest among the groups gnomAD compares: Non-Finnish European, 0.00017%; no homozygotes.

Submission:

Ambry Genetics
Classification: Uncertain significance. Last evaluated: 2024-10-28. Review status: criteria provided, single submitter. Criteria: Ambry Variant Classification Scheme 2023. Collection method: clinical testing. Allele origin: germline.
Comment: The p.L676V variant (also known as c.2026C>G), located in coding exon 18 of the BUB1 gene, results from a C to G substitution at nucleotide position 2026. The leucine at codon 676 is replaced by valine, an amino acid with highly similar properties. This amino acid position is conserved. In addition, this alteration is predicted to be tolerated by in silico analysis. Based on the available evidence, the clinical significance of this variant remains unclear.

NM_004336.5(BUB1):c.2026C>G (p.Leu676Val)

Gene: BUB1 (BUB1 mitotic checkpoint serine/threonine kinase; minus strand). Cytogenetic location: 2q13.
Variant type: single nucleotide variant.
Coding change: c.2026C>G on transcript NM_004336.5 (MANE Select); coding-DNA position 2026, C replaced by G.
Protein change: p.Leu676Val; replaces leucine 676 with valine.
Molecular consequence: missense variant.
Genome position (GRCh38, 1-based): chr2:110,650,723, G>C on the plus strand (C>G on the coding strand, the complement: BUB1 is on the minus strand). VCF-style: chr2-110650723-G-C. GRCh37 (hg19) VCF-style: chr2-111408300-G-C.
Other names: c.1966C>G, p.Leu656Val (NM_001278616.2); c.2026C>G, p.Leu676Val (NM_001278617.2); short protein forms L656V, L676V.
Identifiers: ClinVar variation 3483087 (VCV003483087.1).